The following is an entry in ClinVar:

ClinVar aggregate classification (germline): Uncertain significance (1 of 4 stars; one submission).

Submission:

Labcorp Genetics (formerly Invitae), Labcorp
Classification: Uncertain significance. Last evaluated: 2021-05-18. Review status: criteria provided, single submitter. Criteria: Invitae Variant Classification Sherloc (09022015). Collection method: clinical testing. Allele origin: germline.
Comment: In summary, the available evidence is currently insufficient to determine the role of this variant in disease. Therefore, it has been classified as a Variant of Uncertain Significance. Algorithms developed to predict the effect of missense changes on protein structure and function (SIFT, PolyPhen-2, Align-GVGD) all suggest that this variant is likely to be tolerated, but these predictions have not been confirmed by published functional studies and their clinical significance is uncertain. This variant has not been reported in the literature in individuals with TONSL-related conditions. This variant is not present in population databases (ExAC no frequency). This sequence change replaces glycine with serine at codon 348 of the TONSL protein (p.Gly348Ser). The glycine residue is moderately conserved and there is a small physicochemical difference between glycine and serine.

NM_013432.5(TONSL):c.1042G>A (p.Gly348Ser)

Gene: TONSL (tonsoku like, DNA repair protein; minus strand). Cytogenetic location: 8q24.3.
Variant type: single nucleotide variant.
Coding change: c.1042G>A on transcript NM_013432.5 (MANE Select); coding-DNA position 1042, G replaced by A.
Protein change: p.Gly348Ser; replaces glycine 348 with serine.
Molecular consequence: missense variant.
Genome position (GRCh38, 1-based): chr8:144,440,840, C>T on the plus strand (G>A on the coding strand, the complement: TONSL is on the minus strand). VCF-style: chr8-144440840-C-T. GRCh37 (hg19) VCF-style: chr8-145666223-C-T.
Other names: short protein forms G348S.
Identifiers: ClinVar variation 1428483 (VCV001428483.8), dbSNP rs763201864, ClinGen allele CA372673068.